The following is an entry in ClinVar:

NM_006092.4(NOD1):c.375A>G (p.Pro125=)

Gene: NOD1 (nucleotide binding oligomerization domain containing 1; minus strand). Cytogenetic location: 7p14.3.
Variant type: single nucleotide variant.
Coding change: c.375A>G on transcript NM_006092.4 (MANE Select); coding-DNA position 375, A replaced by G.
Protein change: p.Pro125=; no amino-acid change (proline 125 retained).
Molecular consequence: synonymous variant. On other transcripts: non-coding transcript variant (1).
Genome position (GRCh38, 1-based): chr7:30,455,138, T>C on the plus strand (A>G on the coding strand, the complement: NOD1 is on the minus strand). VCF-style: chr7-30455138-T-C. GRCh37 (hg19) VCF-style: chr7-30494754-T-C.
Other names: c.375A>G, p.Pro125= (NM_001354849.2).
Identifiers: ClinVar variation 103110 (VCV000103110.2), dbSNP rs199475899, ClinGen allele CA230130.

ClinVar aggregate classification (germline): not provided (0 of 4 stars; one submission).

Allele frequency attached by ClinVar (database versions not stated): gnomAD exomes below 0.00001; TOPMed below 0.00001.

Submission:

Human Evolutionary Genetics, Institut Pasteur
No classification provided. Review status: no classification provided. Collection method: not provided. Allele origin: germline.
ClinVar note: Converted during submission from untested to not provided.